The following is an entry in ClinVar:

NM_018008.4(FEZF2):c.245A>G (p.Glu82Gly)

Gene: FEZF2 (FEZ family zinc finger 2; minus strand). Cytogenetic location: 3p14.2.
Variant type: single nucleotide variant.
Coding change: c.245A>G on transcript NM_018008.4 (MANE Select); coding-DNA position 245, A replaced by G.
Protein change: p.Glu82Gly; replaces glutamic acid 82 with glycine.
Molecular consequence: missense variant.
Genome position (GRCh38, 1-based): chr3:62,372,624, T>C on the plus strand (A>G on the coding strand, the complement: FEZF2 is on the minus strand). VCF-style: chr3-62372624-T-C. GRCh37 (hg19) VCF-style: chr3-62358299-T-C.
Other names: short protein forms E82G.
Identifiers: ClinVar variation 3391615 (VCV003391615.1).

ClinVar aggregate classification (germline): Uncertain significance (1 of 4 stars; one submission).

Submission:

GeneDx
Classification: Uncertain significance. Last evaluated: 2024-06-21. Review status: criteria provided, single submitter. Criteria: GeneDx Variant Classification Process June 2021. Collection method: clinical testing. Allele origin: germline. Affected: yes.
Comment: Not observed at significant frequency in large population cohorts (gnomAD); In silico analysis supports that this missense variant has a deleterious effect on protein structure/function; Has not been previously published as pathogenic or benign to our knowledge